The following is an entry in ClinVar:

ClinVar aggregate classification (germline): Uncertain significance (1 of 4 stars; one submission).

Conditions:
Charcot-Marie-Tooth disease axonal type 2Z. Also called: CHARCOT-MARIE-TOOTH DISEASE, AXONAL, AUTOSOMAL DOMINANT, TYPE 2Z; CHARCOT-MARIE-TOOTH NEUROPATHY, TYPE 2Z. Identifiers: Orphanet 466768, MedGen C5569025, MONDO:0014736, OMIM 616688.

Allele frequency attached by ClinVar (database versions not stated): gnomAD exomes below 0.00001; TOPMed 0.00001.
gnomAD v4.1: 3 of 1,613,670 alleles (0.00019%); highest among the groups gnomAD compares: Non-Finnish European, 0.00025%; no homozygotes.

Submission:

Labcorp Genetics (formerly Invitae), Labcorp
Classification: Uncertain significance for Charcot-Marie-Tooth disease axonal type 2Z. Last evaluated: 2022-03-18. Review status: criteria provided, single submitter. Criteria: Invitae Variant Classification Sherloc (09022015). Collection method: clinical testing. Allele origin: germline.
Comment: In summary, the available evidence is currently insufficient to determine the role of this variant in disease. Therefore, it has been classified as a Variant of Uncertain Significance. Advanced modeling of protein sequence and biophysical properties (such as structural, functional, and spatial information, amino acid conservation, physicochemical variation, residue mobility, and thermodynamic stability) performed at Invitae indicates that this missense variant is not expected to disrupt MORC2 protein function. This variant has not been reported in the literature in individuals affected with MORC2-related conditions. This variant is present in population databases (no rsID available, gnomAD 0.0009%). This sequence change replaces isoleucine, which is neutral and non-polar, with valine, which is neutral and non-polar, at codon 943 of the MORC2 protein (p.Ile943Val).

NM_001303256.3(MORC2):c.2827A>G (p.Ile943Val)

Gene: MORC2 (MORC family CW-type zinc finger 2; minus strand). Cytogenetic location: 22q12.2.
Variant type: single nucleotide variant.
Coding change: c.2827A>G on transcript NM_001303256.3 (MANE Select); coding-DNA position 2827, A replaced by G.
Protein change: p.Ile943Val; replaces isoleucine 943 with valine.
Molecular consequence: missense variant.
Genome position (GRCh38, 1-based): chr22:30,932,373, T>C on the plus strand (A>G on the coding strand, the complement: MORC2 is on the minus strand). VCF-style: chr22-30932373-T-C. GRCh37 (hg19) VCF-style: chr22-31328360-T-C.
Other names: c.2827A>G, p.Ile943Val (NM_001303257.2); c.2641A>G, p.Ile881Val (NM_014941.3); short protein forms I881V, I943V.
Identifiers: ClinVar variation 2200986 (VCV002200986.4), dbSNP rs1162268371, ClinGen allele CA411231120.